The following is an entry in ClinVar:

ClinVar aggregate classification (germline): Uncertain significance (1 of 4 stars; one submission).

Conditions:
Brachyolmia-amelogenesis imperfecta syndrome. Also called: Tooth agenesis, selective, 6; Dental anomalies and short stature; PLATYSPONDYLY WITH AMELOGENESIS IMPERFECTA. Identifiers: Orphanet 2899, MedGen C1832594, MONDO:0011018, OMIM 601216. Disease mechanism: loss of function.

Submission:

Labcorp Genetics (formerly Invitae), Labcorp
Classification: Uncertain significance for Brachyolmia-amelogenesis imperfecta syndrome. Last evaluated: 2022-07-01. Review status: criteria provided, single submitter. Criteria: Invitae Variant Classification Sherloc (09022015). Collection method: clinical testing. Allele origin: germline.
Comment: In summary, the available evidence is currently insufficient to determine the role of this variant in disease. Therefore, it has been classified as a Variant of Uncertain Significance. Algorithms developed to predict the effect of missense changes on protein structure and function (SIFT, PolyPhen-2, Align-GVGD) all suggest that this variant is likely to be tolerated. This variant has not been reported in the literature in individuals affected with LTBP3-related conditions. This variant is not present in population databases (gnomAD no frequency). This sequence change replaces glutamine, which is neutral and polar, with arginine, which is basic and polar, at codon 1014 of the LTBP3 protein (p.Gln1014Arg).

NM_001130144.3(LTBP3):c.3041A>G (p.Gln1014Arg)

Genes: LTBP3 (latent transforming growth factor beta binding protein 3; minus strand), LOC121832793 (Sharpr-MPRA regulatory region 4001; plus strand). Cytogenetic location: 11q13.1.
Variant type: single nucleotide variant.
Coding change: c.3041A>G on transcript NM_001130144.3 (MANE Select); coding-DNA position 3041, A replaced by G.
Protein change: p.Gln1014Arg; replaces glutamine 1014 with arginine.
Molecular consequence: missense variant.
Genome position (GRCh38, 1-based): chr11:65,540,551, T>C on the plus strand (A>G on the coding strand, the complement: LTBP3 is on the minus strand). VCF-style: chr11-65540551-T-C. GRCh37 (hg19) VCF-style: chr11-65308022-T-C.
Other names: c.2690A>G, p.Gln897Arg (NM_001164266.1); c.3041A>G, p.Gln1014Arg (NM_021070.4); short protein forms Q897R, Q1014R.
Identifiers: ClinVar variation 2012839 (VCV002012839.4), dbSNP rs2496124042, ClinGen allele CA381267794.